The following is an entry in ClinVar:

NM_021738.3(SVIL):c.1885G>A (p.Gly629Ser)

Gene: SVIL (supervillin; minus strand). Cytogenetic location: 10p11.23.
Variant type: single nucleotide variant.
Coding change: c.1885G>A on transcript NM_021738.3 (MANE Select); coding-DNA position 1885, G replaced by A.
Protein change: p.Gly629Ser; replaces glycine 629 with serine.
Molecular consequence: missense variant. On other transcripts: intron variant (2).
Genome position (GRCh38, 1-based): chr10:29,532,126, C>T on the plus strand (G>A on the coding strand, the complement: SVIL is on the minus strand). VCF-style: chr10-29532126-C-T. GRCh37 (hg19) VCF-style: chr10-29821055-C-T.
Other names: c.955G>A, p.Gly319Ser (NM_001323599.2); c.828-838G>A (NM_001323600.1, NM_003174.3); short protein forms G319S, G629S.
Identifiers: ClinVar variation 3803216 (VCV003803216.6).
Genomic context (GRCh38, chr10:29,532,126, plus strand): 5'-TACTTTCACCAGGAGAAAAATAGCGTCTTGGTTTCCGGGACCCTCTCTCCCGTTCCACAC[C>T]GGTGGGCAAGCCAGGTCCTTCAGCCGACCTCTCCACCCGTGATTTGCTTTGAGAATCAAA-3'
Protein context (NP_068506.2, residues 619-639): RSAEGPGLPT[Gly629Ser]VERERGSRKP

ClinVar aggregate classification (germline): Likely benign. Review status: criteria provided, multiple submitters, no conflicts (2 of 4 stars). 2 submissions from 2 submitters: Likely benign (2). Last evaluated 2025-12-01.

gnomAD v4.1: 81 of 1,613,988 alleles (0.005%); highest among the groups gnomAD compares: South Asian, 0.032%; no homozygotes.

Submissions (2):

CeGaT Center for Human Genetics Tuebingen
Classification: Likely benign. Last evaluated: 2025-12-01. Review status: criteria provided, single submitter. Criteria: CeGaT Center For Human Genetics Tuebingen Variant Classification Criteria Version 2. Collection method: clinical testing. Allele origin: germline. Affected: yes. Observed: 1 variant allele.
Comment: SVIL: BP4

Ambry Genetics
Classification: Likely benign. Last evaluated: 2025-01-19. Review status: criteria provided, single submitter. Criteria: Ambry Variant Classification Scheme 2023. Collection method: clinical testing. Allele origin: germline.